The following is an entry in ClinVar:

ClinVar aggregate classification (germline): Uncertain significance (1 of 4 stars; one submission).

Conditions:
Inborn genetic diseases. Identifiers: MedGen C0950123, MeSH D030342.

Submission:

Ambry Genetics
Classification: Uncertain significance for Inborn genetic diseases. Last evaluated: 2026-07-04. Review status: criteria provided, single submitter. Criteria: Ambry Variant Classification Scheme 2023. Collection method: clinical testing. Allele origin: germline.
Comment: The p.H144N variant (also known as c.430C>A), located in coding exon 1 of the SH2B3 gene, results from a C to A substitution at nucleotide position 430. The histidine at codon 144 is replaced by asparagine, an amino acid with similar properties. This amino acid position is conserved. In addition, this alteration is predicted to be tolerated by in silico analysis. Based on the available evidence, the clinical significance of this variant remains unclear.

NM_005475.3(SH2B3):c.430C>A (p.His144Asn)

Gene: SH2B3 (SH2B adaptor protein 3; plus strand). Cytogenetic location: 12q24.12.
Variant type: single nucleotide variant.
Coding change: c.430C>A on transcript NM_005475.3 (MANE Select); coding-DNA position 430, C replaced by A.
Protein change: p.His144Asn; replaces histidine 144 with asparagine.
Molecular consequence: missense variant.
Genome position (GRCh38, 1-based): chr12:111,418,575, C>A. VCF-style: chr12-111418575-C-A. GRCh37 (hg19) VCF-style: chr12-111856379-C-A.
Other names: short protein forms H144N.
Identifiers: ClinVar variation 5029465 (VCV005029465.1).